The following is an entry in ClinVar:

ClinVar aggregate classification (germline): Uncertain significance (1 of 4 stars; one submission).

Submission:

Labcorp Genetics (formerly Invitae), Labcorp
Classification: Uncertain significance. Last evaluated: 2022-03-26. Review status: criteria provided, single submitter. Criteria: Invitae Variant Classification Sherloc (09022015). Collection method: clinical testing. Allele origin: germline.
Comment: In summary, the available evidence is currently insufficient to determine the role of this variant in disease. Therefore, it has been classified as a Variant of Uncertain Significance. Algorithms developed to predict the effect of missense changes on protein structure and function are either unavailable or do not agree on the potential impact of this missense change (SIFT: "Not Available"; PolyPhen-2: "Probably Damaging"; Align-GVGD: "Not Available"). This variant has not been reported in the literature in individuals affected with VPS13D-related conditions. This variant is not present in population databases (gnomAD no frequency). This sequence change replaces threonine, which is neutral and polar, with alanine, which is neutral and non-polar, at codon 509 of the VPS13D protein (p.Thr509Ala).

NM_015378.4(VPS13D):c.1525A>G (p.Thr509Ala)

Gene: VPS13D (vacuolar protein sorting 13 homolog D; plus strand). Cytogenetic location: 1p36.22.
Variant type: single nucleotide variant.
Coding change: c.1525A>G on transcript NM_015378.4 (MANE Select); coding-DNA position 1525, A replaced by G.
Protein change: p.Thr509Ala; replaces threonine 509 with alanine.
Molecular consequence: missense variant.
Genome position (GRCh38, 1-based): chr1:12,262,011, A>G. VCF-style: chr1-12262011-A-G. GRCh37 (hg19) VCF-style: chr1-12322068-A-G.
Other names: c.1525A>G, p.Thr509Ala (NM_018156.4); short protein forms T509A.
Identifiers: ClinVar variation 2117304 (VCV002117304.4), dbSNP rs2523949377, ClinGen allele CA338464865.